The following is an entry in ClinVar:

NM_152515.5(CKAP2L):c.46C>T (p.Gln16Ter)

Gene: CKAP2L (cytoskeleton associated protein 2 like; minus strand). Cytogenetic location: 2q14.1.
Variant type: single nucleotide variant.
Coding change: c.46C>T on transcript NM_152515.5 (MANE Select); coding-DNA position 46, C replaced by T.
Protein change: p.Gln16Ter; replaces glutamine 16 with a stop codon.
Molecular consequence: nonsense. On other transcripts: 5 prime UTR variant (1), non-coding transcript variant (1).
Genome position (GRCh38, 1-based): chr2:112,762,561, G>A on the plus strand (C>T on the coding strand, the complement: CKAP2L is on the minus strand). VCF-style: chr2-112762561-G-A. GRCh37 (hg19) VCF-style: chr2-113520138-G-A.
Other names: c.-391C>T (NM_001304361.2); short protein forms Q16*.
Identifiers: ClinVar variation 3767278 (VCV003767278.2).
Genomic context (GRCh38, chr2:112,762,561, plus strand): 5'-ACTTGGTGTTTTGGCTCTTCAGTTTTCCCTTGGCTGCAAGGTACTCCTGAAGCTTTCTCT[G>A]CCGCTCTTCTGCAACACAGGCAAGCAAACAAACGACATAACTTTAGTTCAAGATTTTAAC-3'

ClinVar aggregate classification (germline): Pathogenic (1 of 4 stars; one submission).

Conditions:
Filippi syndrome (FLPIS). Identifiers: Orphanet 3255, MedGen C0795940, MONDO:0010092, OMIM 272440.

Submission:

Kasturba Medical College, Manipal, Kasturba Medical College, Manipal, Manipal Academy of Higher Education, Manipal, India
Classification: Pathogenic for Filippi syndrome. Review status: criteria provided, single submitter. Criteria: ACMG Guidelines, 2015. Collection method: research. Allele origin: biparental. Inheritance: Autosomal recessive inheritance. Affected: yes. Observed: 1 homozygote.
Comment: This variant is absent in homozygous and/or heterozygous state in the population database gnomAD (v.4.1.0) and our in-house database of 3343 exomes. This variant is predicted to introduce a premature termination codon which may either trigger nonsense-mediated mRNA decay or result in a truncated protein product.